The following is an entry in ClinVar:

NM_001407365.1(BTD):c.-17+96G>T

Gene: BTD (biotinidase; plus strand). Cytogenetic location: 3p25.1.
Variant type: single nucleotide variant.
Coding change: c.-17+96G>T on transcript NM_001407365.1; 96 bases into the intron after 17 bases upstream of the start codon, G replaced by T.
Molecular consequence: intron variant.
Genome position (GRCh38, 1-based): chr3:15,601,743, G>T. VCF-style: chr3-15601743-G-T. GRCh37 (hg19) VCF-style: chr3-15643250-G-T.
Identifiers: ClinVar variation 2430755 (VCV002430755.1), dbSNP rs2471195192, ClinGen allele CA351610228.

ClinVar aggregate classification (germline): Uncertain significance (1 of 4 stars; one submission).

Allele frequency attached by ClinVar (database versions not stated): gnomAD exomes 0.00001.

Submission:

GeneDx
Classification: Uncertain significance. Last evaluated: 2022-08-06. Review status: criteria provided, single submitter. Criteria: GeneDx Variant Classification Process June 2021. Collection method: clinical testing. Allele origin: germline. Affected: yes.
Comment: Not observed at significant frequency in large population cohorts (gnomAD); Located in a region that tolerates variation and lacks pathogenic variants; In-silico analysis is inconclusive as to whether the variant alters gene splicing. In the absence of RNA/functional studies, the actual effect of this sequence change is unknown.; Has not been previously published as pathogenic or benign to our knowledge